The following is an entry in ClinVar:

NM_003919.3(SGCE):c.1074G>A (p.Leu358=)

Genes: CASD1 (CAS1 domain sialic acid O acetyltransferase 1; plus strand), SGCE (sarcoglycan epsilon; minus strand). Cytogenetic location: 7q21.3.
Variant type: single nucleotide variant.
Coding change: c.1074G>A on transcript NM_003919.3 (MANE Select); coding-DNA position 1074, G replaced by A.
Protein change: p.Leu358=; no amino-acid change (leucine 358 retained).
Molecular consequence: synonymous variant.
Genome position (GRCh38, 1-based): chr7:94,598,954, C>T on the plus strand (G>A on the coding strand, the complement: SGCE is on the minus strand). VCF-style: chr7-94598954-C-T. GRCh37 (hg19) VCF-style: chr7-94228266-C-T.
Other names: c.1047G>A, p.Leu349= (NM_001099400.2, NM_001346717.2); c.1074G>A, p.Leu358= (NM_001099401.2); c.951G>A, p.Leu317= (NM_001301139.2); c.1182G>A, p.Leu394= (NM_001346713.2); c.1155G>A, p.Leu385= (NM_001346715.2); c.987G>A, p.Leu329= (NM_001346719.2); c.801G>A, p.Leu267= (NM_001346720.2); c.960G>A, p.Leu320= (NM_001362807.2); and 2 more.
Identifiers: ClinVar variation 700164 (VCV000700164.16), dbSNP rs983297904, ClinGen allele CA162920595.

ClinVar aggregate classification (germline): Likely benign. Review status: criteria provided, multiple submitters, no conflicts (2 of 4 stars). 2 submissions from 2 submitters: Likely benign (2). Last evaluated 2026-09-01.

Conditions:
Myoclonic dystonia 11 (DYT11). Also called: Myoclonic dystonia; Dystonia 11; Dystonia, alcohol responsive; Hereditary essential myoclonus; SGCE Myoclonus-Dystonia; Myoclonus-Dystonia. Identifiers: Orphanet 36899, MedGen C1834570, MONDO:0008044, OMIM 159900.

Allele frequency attached by ClinVar (database versions not stated): gnomAD exomes 0.00002; TOPMed 0.00003.
gnomAD v4.1: 28 of 1,613,080 alleles (0.0017%); highest among the groups gnomAD compares: Non-Finnish European, 0.0024%; no homozygotes.

Submissions (2):

CeGaT Center for Human Genetics Tuebingen
Classification: Likely benign. Last evaluated: 2026-09-01. Review status: criteria provided, single submitter. Criteria: CeGaT Center For Human Genetics Tuebingen Variant Classification Criteria Version 2. Collection method: clinical testing. Allele origin: germline. Affected: yes. Observed: 2 variant alleles.
Comment: SGCE: BP4, BP7

Labcorp Genetics (formerly Invitae), Labcorp
Classification: Likely benign for Myoclonic dystonia 11. Last evaluated: 2024-10-16. Review status: criteria provided, single submitter. Criteria: Invitae Variant Classification Sherloc (09022015). Collection method: clinical testing. Allele origin: germline.